The following is an entry in ClinVar:

ClinVar aggregate classification (germline): Uncertain significance. Review status: criteria provided, multiple submitters, no conflicts (2 of 4 stars). 2 submissions from 2 submitters: Uncertain significance (2). Last evaluated 2023-09-01.

Conditions:
Atrioventricular septal defect 4 (AVSD4). Identifiers: MedGen C3280781, MONDO:0013747, OMIM 614430.

Allele frequency attached by ClinVar (database versions not stated): gnomAD exomes below 0.00001.
gnomAD v4.1: 2 of 1,326,588 alleles (0.00015%); highest among the groups gnomAD compares: Non-Finnish European, 0.00019%; no homozygotes.

Submissions (2):

Labcorp Genetics (formerly Invitae), Labcorp
Classification: Uncertain significance for Atrioventricular septal defect 4. Last evaluated: 2023-09-01. Review status: criteria provided, single submitter. Criteria: Invitae Variant Classification Sherloc (09022015). Collection method: clinical testing. Allele origin: germline.
Comment: In summary, the available evidence is currently insufficient to determine the role of this variant in disease. Therefore, it has been classified as a Variant of Uncertain Significance. Advanced modeling of protein sequence and biophysical properties (such as structural, functional, and spatial information, amino acid conservation, physicochemical variation, residue mobility, and thermodynamic stability) performed at Invitae indicates that this missense variant is not expected to disrupt GATA4 protein function. ClinVar contains an entry for this variant (Variation ID: 2430397). This variant has not been reported in the literature in individuals affected with GATA4-related conditions. This variant is not present in population databases (gnomAD no frequency). This sequence change replaces glycine, which is neutral and non-polar, with alanine, which is neutral and non-polar, at codon 112 of the GATA4 protein (p.Gly112Ala).

GeneDx
Classification: Uncertain significance. Last evaluated: 2022-08-24. Review status: criteria provided, single submitter. Criteria: GeneDx Variant Classification Process June 2021. Collection method: clinical testing. Allele origin: germline. Affected: yes.
Comment: Not observed at significant frequency in large population cohorts (gnomAD); In silico analysis supports that this missense variant does not alter protein structure/function; Has not been previously published as pathogenic or benign to our knowledge

NM_001308093.3(GATA4):c.335G>C (p.Gly112Ala)

Gene: GATA4 (GATA binding protein 4). Cytogenetic location: 8p23.1.
Variant type: single nucleotide variant.
Coding change: c.335G>C on transcript NM_001308093.3 (MANE Select); coding-DNA position 335, G replaced by C.
Protein change: p.Gly112Ala; replaces glycine 112 with alanine.
Molecular consequence: missense variant. On other transcripts: intron variant (3).
Genome position (GRCh38, 1-based): chr8:11,708,647, G>C. VCF-style: chr8-11708647-G-C. GRCh37 (hg19) VCF-style: chr8-11566156-G-C.
Other names: c.335G>C, p.Gly112Ala (NM_002052.5); c.-6+7869G>C (NM_001308094.2); c.-3+633G>C (NM_001374274.1); c.-3+4343G>C (NM_001374273.1); short protein forms G112A.
Identifiers: ClinVar variation 2430397 (VCV002430397.4), dbSNP rs2486780621, ClinGen allele CA370309415.